The following is an entry in ClinVar:

NM_206880.2(OR2V2):c.57C>T (p.Phe19=)

Gene: OR2V2 (olfactory receptor family 2 subfamily V member 2; plus strand). Cytogenetic location: 5q35.3.
Variant type: single nucleotide variant.
Coding change: c.57C>T on transcript NM_206880.2 (MANE Select); coding-DNA position 57, C replaced by T.
Protein change: p.Phe19=; no amino-acid change (phenylalanine 19 retained).
Molecular consequence: synonymous variant.
Genome position (GRCh38, 1-based): chr5:181,154,999, C>T. VCF-style: chr5-181154999-C-T. GRCh37 (hg19) VCF-style: chr5-180581999-C-T.
Identifiers: ClinVar variation 3770846 (VCV003770846.13).

ClinVar aggregate classification (germline): Likely benign (1 of 4 stars; one submission).

Submission:

CeGaT Center for Human Genetics Tuebingen
Classification: Likely benign. Last evaluated: 2026-06-01. Review status: criteria provided, single submitter. Criteria: CeGaT Center For Human Genetics Tuebingen Variant Classification Criteria Version 2. Collection method: clinical testing. Allele origin: germline. Affected: yes. Observed: 2 variant alleles.
Comment: OR2V2: BP4, BP7